The following is an entry in ClinVar:

NM_031471.6(FERMT3):c.1187A>G (p.Gln396Arg)

Gene: FERMT3 (FERM domain containing kindlin 3; plus strand). Cytogenetic location: 11q13.1.
Variant type: single nucleotide variant.
Coding change: c.1187A>G on transcript NM_031471.6 (MANE Select); coding-DNA position 1187, A replaced by G.
Protein change: p.Gln396Arg; replaces glutamine 396 with arginine.
Molecular consequence: missense variant.
Genome position (GRCh38, 1-based): chr11:64,219,998, A>G. VCF-style: chr11-64219998-A-G. GRCh37 (hg19) VCF-style: chr11-63987470-A-G.
Other names: c.1187A>G, p.Gln396Arg (NM_001382361.1, NM_001382448.1); c.1199A>G, p.Gln400Arg (NM_001382362.1, NM_178443.3); c.647A>G, p.Gln216Arg (NM_001382363.1); c.659A>G, p.Gln220Arg (NM_001382364.1); short protein forms Q396R, Q220R, Q216R, Q400R.
Identifiers: ClinVar variation 1981976 (VCV001981976.3), dbSNP rs767453061, ClinGen allele CA6069059.

ClinVar aggregate classification (germline): Uncertain significance (1 of 4 stars; one submission).

Conditions:
Leukocyte adhesion deficiency 3. Also called: INTEGRIN ACTIVATION DEFICIENCY DISEASE; LEUKOCYTE ADHESION DEFICIENCY 1 VARIANT; Leukocyte adhesion deficiency, type III. Identifiers: Orphanet 2968, Orphanet 99844, MedGen C2748536, MONDO:0013016, OMIM 612840.

Allele frequency attached by ClinVar (database versions not stated): gnomAD exomes below 0.00001; ExAC 0.00001; TOPMed 0.00002.
gnomAD v4.1: 2 of 1,613,582 alleles (0.00012%); highest among the groups gnomAD compares: African/African-American, 0.0013%; no homozygotes.

Submission:

Labcorp Genetics (formerly Invitae), Labcorp
Classification: Uncertain significance for Leukocyte adhesion deficiency 3. Last evaluated: 2024-10-29. Review status: criteria provided, single submitter. Criteria: Invitae Variant Classification Sherloc (09022015). Collection method: clinical testing. Allele origin: germline.
Comment: This sequence change replaces glutamine, which is neutral and polar, with arginine, which is basic and polar, at codon 396 of the FERMT3 protein (p.Gln396Arg). This variant is present in population databases (rs767453061, gnomAD 0.003%). This variant has not been reported in the literature in individuals affected with FERMT3-related conditions. ClinVar contains an entry for this variant (Variation ID: 1981976). Invitae Evidence Modeling of protein sequence and biophysical properties (such as structural, functional, and spatial information, amino acid conservation, physicochemical variation, residue mobility, and thermodynamic stability) has been performed for this missense variant. However, the output from this modeling did not meet the statistical confidence thresholds required to predict the impact of this variant on FERMT3 protein function. In summary, the available evidence is currently insufficient to determine the role of this variant in disease. Therefore, it has been classified as a Variant of Uncertain Significance.